The following is an entry in ClinVar:

NM_000260.4(MYO7A):c.2227del (p.Ala743fs)

Gene: MYO7A (myosin VIIA; plus strand). Cytogenetic location: 11q13.5.
Variant type: Deletion.
Coding change: c.2227del on transcript NM_000260.4 (MANE Select); coding-DNA position 2227, one base deleted (G; older notation c.2227delG).
Protein change: p.Ala743fs; shifts the reading frame from alanine 743.
Molecular consequence: frameshift variant.
Genome position (GRCh38, 1-based): chr11:77,177,588, G deleted. VCF-style (leftmost placement, unchanged base first): chr11-77177587-AG-A. GRCh37 (hg19) VCF-style: chr11-76888633-AG-A.
Other names: c.2227del, p.Ala743fs (NM_001127180.2); c.2194del, p.Ala732fs (NM_001369365.1); c.2227del (NM_000260.3); short protein forms A732fs, A743fs.
Identifiers: ClinVar variation 2156446 (VCV002156446.5), dbSNP rs1954752761, ClinGen allele CA939773005.
Genomic context (GRCh38, chr11:77,177,587, plus strand): 5'-GCTCAGGAGCTCTGCCTCCTAGGACCACCATGACATGCTGCTGGAAGTGGAGCGGGACAA[AG>A]CCATCACCGACAGAGTCATCCTCCTTCAGAAAGTCATCCGGGGATTCAAAGACAGGTGCG-3'

ClinVar aggregate classification (germline): Pathogenic/Likely pathogenic. Review status: criteria provided, multiple submitters, no conflicts (2 of 4 stars). 2 submissions from 2 submitters: Pathogenic (1); Likely pathogenic (1). Last evaluated 2025-12-17.

Conditions:
Usher syndrome type 1B (USH1B). Also called: Usher syndrome type IB. Identifiers: MedGen C1848638, MONDO:0700087.

Allele frequency attached by ClinVar (database versions not stated): gnomAD exomes below 0.00001; gnomAD 0.00001.

Submissions (2):

Natera, Inc.
Classification: Likely pathogenic for Usher syndrome type 1B. Last evaluated: 2025-12-17. Review status: criteria provided, single submitter. Criteria: Natera Variant Classification Schema (03/2026). Collection method: clinical testing. Allele origin: germline.
Comment: The c.2227del variant in MYO7A is a frameshift variant predicted to shift the reading frame beginning at codon 743 and leads to a stop codon 23 codons downstream. This variant is expected to result in nonsense mediated decay, truncation, or a dysfunctional protein product. This variant is rare in the general population with a frequency below the threshold expected for the associated phenotype(s). Given the available evidence, this variant is classified as Likely Pathogenic.

Labcorp Genetics (formerly Invitae), Labcorp
Classification: Pathogenic. Last evaluated: 2025-12-13. Review status: criteria provided, single submitter. Criteria: Invitae Variant Classification Sherloc (09022015). Collection method: clinical testing. Allele origin: germline.
Comment: This sequence change creates a premature translational stop signal (p.Ala743Profs*23) in the MYO7A gene. It is expected to result in an absent or disrupted protein product. Loss-of-function variants in MYO7A are known to be pathogenic (PMID: 8900236, 25404053). This variant is not present in population databases (gnomAD no frequency). This variant has not been reported in the literature in individuals affected with MYO7A-related conditions. ClinVar contains an entry for this variant (Variation ID: 2156446). For these reasons, this variant has been classified as Pathogenic.

Literature cited by the submitters: PubMed 8900236 (cited by Labcorp Genetics (formerly Invitae), Labcorp); PubMed 25404053 (cited by Labcorp Genetics (formerly Invitae), Labcorp).